The following is an entry in ClinVar:

ClinVar aggregate classification (germline): Conflicting classifications of pathogenicity. Review status: criteria provided, conflicting classifications (1 of 4 stars). 2 submissions from 2 submitters: Likely pathogenic (1); Uncertain significance (1). Last evaluated 2023-08-08.

Conditions:
Syndromic X-linked intellectual disability Najm type (MICPCH). Also called: MICPCH SYNDROME; Intellectual developmental disorder and microcephaly with pontine and cerebellar hypoplasia; Mental retardation and microcephaly with pontine and cerebellar hypoplasia; MENTAL RETARDATION, X-LINKED, SYNDROMIC, NAJM TYPE; Intellectual Disability and Microcephaly with Pontine and Cerebellar Hypoplasia (MICPCH); Intellectual Disability and Microcephaly with Pontine and Cerebellar Hypoplasia. Identifiers: Orphanet 163937, MedGen C2677903, MONDO:0010417, OMIM 300749.
FG syndrome 4 (FGS4). Identifiers: MedGen C1845546, MONDO:0010318, OMIM 300422.

Submissions (2):

3billion
Classification: Uncertain significance for FG syndrome 4. Last evaluated: 2023-08-08. Review status: criteria provided, single submitter. Criteria: ACMG Guidelines, 2015. Collection method: clinical testing. Allele origin: germline. Affected: yes.
Comment: The variant is not observed in the gnomAD v2.1.1 dataset. Predicted Consequence/Location: Missense changes are a common disease-causing mechanism. Same nucleotide change resulting in same amino acid change has been previously reported to be associated with CASK related disorder (ClinVar ID: VCV000803985). However, the evidence of pathogenicity is insufficient at this time. Therefore, this variant is classified as VUS according to the recommendation of ACMG/AMP guideline.

Mendelics
Classification: Likely pathogenic for Syndromic X-linked intellectual disability Najm type. Last evaluated: 2019-05-28. Review status: criteria provided, single submitter. Criteria: Mendelics Assertion Criteria 2017. Collection method: clinical testing. Allele origin: unknown.

NM_001367721.1(CASK):c.787G>A (p.Glu263Lys)

Gene: CASK (calcium/calmodulin dependent serine protein kinase; minus strand). Cytogenetic location: Xp11.4.
Variant type: single nucleotide variant.
Coding change: c.787G>A on transcript NM_001367721.1 (MANE Select); coding-DNA position 787, G replaced by A.
Protein change: p.Glu263Lys; replaces glutamic acid 263 with lysine.
Molecular consequence: missense variant.
Genome position (GRCh38, 1-based): chrX:41,660,483, C>T on the plus strand (G>A on the coding strand, the complement: CASK is on the minus strand). VCF-style: chrX-41660483-C-T. GRCh37 (hg19) VCF-style: chrX-41519736-C-T.
Other names: c.787G>A, p.Glu263Lys (NM_001126054.3, NM_001126055.3, NM_001410745.1 and 1 more transcripts); short protein forms E263K.
Identifiers: ClinVar variation 803985 (VCV000803985.2), dbSNP rs1602424843, ClinGen allele CA412996516.
Genomic context (GRCh38, chrX:41,660,483, plus strand): 5'-GTGAATGCTCATGTACCTTAAGCCATGGGTGATTCAGTGCTTCATAAACAGTGATCCTTT[C>T]AGCTGGATCCAGCATCAGCATGCGACGTACTAGGTCTTTGGCACTTTCAGAGATATGGCT-3'
Protein context (NP_001354650.1, residues 253-273): VRRMLMLDPA[Glu263Lys]RITVYEALNH